The following is an entry in ClinVar:

NM_052813.5(CARD9):c.1357+1G>A

Gene: CARD9 (caspase recruitment domain family member 9; minus strand). Cytogenetic location: 9q34.3.
Variant type: single nucleotide variant.
Coding change: c.1357+1G>A on transcript NM_052813.5 (MANE Select); the canonical splice donor site of the intron after coding-DNA position 1357, G replaced by A.
Molecular consequence: splice donor variant.
Genome position (GRCh38, 1-based): chr9:136,366,799, C>T on the plus strand (G>A on the coding strand, the complement: CARD9 is on the minus strand). VCF-style: chr9-136366799-C-T. GRCh37 (hg19) VCF-style: chr9-139261251-C-T.
Other names: c.1357+1G>A (NM_052814.4).
Identifiers: ClinVar variation 4772367 (VCV004772367.1).

ClinVar aggregate classification (germline): Likely pathogenic (1 of 4 stars; one submission).

Conditions:
Predisposition to invasive fungal disease due to CARD9 deficiency (IMD103). Also called: IMMUNODEFICIENCY 103, SUSCEPTIBILITY TO FUNGAL INFECTIONS; CARD9 IMMUNODEFICIENCY; Candidiasis, familial, 2, autosomal recessive. Identifiers: Orphanet 457088, MedGen C1859353, MONDO:0008905, OMIM 212050.

gnomAD v4.1: 2 of 1,613,108 alleles (0.00012%); highest among the groups gnomAD compares: South Asian, 0.0011%; no homozygotes.

Submission:

Labcorp Genetics (formerly Invitae), Labcorp
Classification: Likely pathogenic for Predisposition to invasive fungal disease due to CARD9 deficiency. Last evaluated: 2025-03-18. Review status: criteria provided, single submitter. Criteria: Invitae Variant Classification Sherloc (09022015). Collection method: clinical testing. Allele origin: germline.
Comment: This sequence change affects a donor splice site in intron 10 of the CARD9 gene. It is expected to disrupt RNA splicing. Variants that disrupt the donor or acceptor splice site typically lead to a loss of protein function (PMID: 16199547), and loss-of-function variants in CARD9 are known to be pathogenic (PMID: 19864672, 24131138, 24231284). This variant is present in population databases (rs776754422, gnomAD 0.0009%). This variant has not been reported in the literature in individuals affected with CARD9-related conditions. Algorithms developed to predict the effect of sequence changes on RNA splicing suggest that this variant may disrupt the consensus splice site. In summary, the currently available evidence indicates that the variant is pathogenic, but additional data are needed to prove that conclusively. Therefore, this variant has been classified as Likely Pathogenic.

Literature cited by the submitters: PubMed 16199547; PubMed 19864672; PubMed 24131138; PubMed 24231284.